The following is an entry in ClinVar:

ClinVar aggregate classification (germline): Pathogenic. Review status: reviewed by expert panel (3 of 4 stars). 3 submissions from 3 submitters: Pathogenic (1). 2 of the submissions do not count toward it. Last evaluated 2017-12-15.

Conditions:
Hereditary cancer-predisposing syndrome. Also called: Neoplastic Syndromes, Hereditary; Hereditary neoplastic syndrome; Hereditary Cancer Syndrome; Tumor predisposition. Identifiers: Orphanet 140162, MedGen C0027672, MeSH D009386, MONDO:0015356.
Breast-ovarian cancer, familial, susceptibility to, 1 (BROVCA1). Also called: BRCA1 Hereditary Breast and Ovarian Cancer; OVARIAN CANCER, SUSCEPTIBILITY TO. Identifiers: Orphanet 145, MedGen C2676676, MONDO:0011450, OMIM 604370. Disease mechanism: loss of function.
Familial cancer of breast. Also called: hereditary breast carcinoma; Hereditary breast cancer; BREAST CANCER, FAMILIAL. Identifiers: Orphanet 227535, MedGen C0346153, MONDO:0016419, OMIM 114480. Disease mechanism: loss of function.

Submissions (3):

Evidence-based Network for the Interpretation of Germline Mutant Alleles (ENIGMA)
Classification: Pathogenic for Breast-ovarian cancer, familial, susceptibility to, 1. Last evaluated: 2017-12-15. Review status: reviewed by expert panel. Criteria: ENIGMA BRCA1/2 Classification Criteria (2017-06-29). Collection method: curation. Allele origin: germline. Study: ENIGMA.
Comment: Variant allele predicted to encode a truncated non-functional protein.

Ambry Genetics
Classification: Pathogenic for Hereditary cancer-predisposing syndrome. Last evaluated: 2026-08-19. Review status: criteria provided, single submitter. Criteria: Ambry Variant Classification Scheme 2023. Collection method: clinical testing. Allele origin: germline. Not counted in ClinVar's aggregate classification.
Comment: The p.E427* pathogenic mutation (also known as c.1279G>T), located in coding exon 9 of the BRCA1 gene, results from a G to T substitution at nucleotide position 1279. This changes the amino acid from a glutamic acid to a stop codon within coding exon 9. This variant is considered to be rare based on population cohorts in the Genome Aggregation Database (gnomAD). This alteration is expected to result in loss of function by premature protein truncation or nonsense-mediated mRNA decay. As such, this alteration is interpreted as a disease-causing mutation.

ClinVar Staff, National Center for Biotechnology Information (NCBI)
No classification provided. Condition: Familial cancer of breast. Review status: no classification provided. Collection method: literature only. Allele origin: germline. Affected: yes. Not counted in ClinVar's aggregate classification.

Literature cited by the submitters: PubMed 17851763 (cited by ClinVar Staff, National Center for Biotechnology Information (NCBI)).

NM_007294.4(BRCA1):c.1279G>T (p.Glu427Ter)

Gene: BRCA1 (BRCA1 DNA repair associated; minus strand). Cytogenetic location: 17q21.31.
Variant type: single nucleotide variant.
Coding change: c.1279G>T on transcript NM_007294.4 (MANE Select); coding-DNA position 1279, G replaced by T.
Protein change: p.Glu427Ter; replaces glutamic acid 427 with a stop codon.
Molecular consequence: nonsense. On other transcripts: intron variant (137).
Genome position (GRCh38, 1-based): chr17:43,094,252, C>A on the plus strand (G>T on the coding strand, the complement: BRCA1 is on the minus strand). VCF-style: chr17-43094252-C-A. GRCh37 (hg19) VCF-style: chr17-41246269-C-A.
Other names: c.787+492G>T (NM_001407982.1, NM_001407970.1, NM_001407980.1 and 19 more transcripts); c.1066G>T, p.Glu356Ter (NM_001407571.1, NM_001407898.1, NM_001407899.1 and 9 more transcripts); c.1279G>T, p.Glu427Ter (NM_001407581.1, NM_001407582.1, NM_001407583.1 and 30 more transcripts); c.1276G>T, p.Glu426Ter (NM_001407587.1, NM_001407590.1, NM_001407591.1 and 22 more transcripts); c.1270G>T, p.Glu424Ter (NM_001407647.1, NM_001407646.1); c.1156G>T, p.Glu386Ter (NM_001407648.1, NM_001407668.1, NM_001407669.1 and 19 more transcripts); c.1153G>T, p.Glu385Ter (NM_001407649.1, NM_001407670.1, NM_001407671.1 and 11 more transcripts); c.1201G>T, p.Glu401Ter (NM_001407653.1, NM_001407654.1, NM_001407655.1 and 4 more transcripts); and 40 more; short protein forms E427*, E380*, E339*, E357*, E401*, E424*, E259*, E315*.
Identifiers: ClinVar variation 54185 (VCV000054185.4), dbSNP rs397508851, ClinGen allele CA000839.